The following is an entry in ClinVar:

ClinVar aggregate classification (germline): Uncertain significance (1 of 4 stars; one submission).

Conditions:
COL4A5-related disorder. Also called: COL4A5-related condition.

Submission:

PreventionGenetics, part of Exact Sciences
Classification: Uncertain significance for COL4A5-related condition. Last evaluated: 2023-09-12. Review status: criteria provided, single submitter. Criteria: ACMG Guidelines, 2015. Collection method: clinical testing. Allele origin: germline.
Comment: The COL4A5 c.3751A>G variant is predicted to result in the amino acid substitution p.Lys1251Glu. To our knowledge, this variant has not been reported in the literature or in a large population database, indicating this variant is rare. At this time, the clinical significance of this variant is uncertain due to the absence of conclusive functional and genetic evidence.

NM_033380.3(COL4A5):c.3751A>G (p.Lys1251Glu)

Gene: COL4A5 (collagen type IV alpha 5 chain; plus strand). Cytogenetic location: Xq22.3.
Variant type: single nucleotide variant.
Coding change: c.3751A>G on transcript NM_033380.3 (MANE Select); coding-DNA position 3751, A replaced by G.
Protein change: p.Lys1251Glu; replaces lysine 1251 with glutamic acid.
Molecular consequence: missense variant.
Genome position (GRCh38, 1-based): chrX:108,668,465, A>G. VCF-style: chrX-108668465-A-G. GRCh37 (hg19) VCF-style: chrX-107911695-A-G.
Other names: c.3751A>G, p.Lys1251Glu (NM_000495.5); short protein forms K1251E.
Identifiers: ClinVar variation 2630801 (VCV002630801.1), dbSNP rs2524575931, ClinGen allele CA413849030.